The following is an entry in ClinVar:

ClinVar aggregate classification (germline): Uncertain significance (1 of 4 stars; one submission).

Submission:

Labcorp Genetics (formerly Invitae), Labcorp
Classification: Uncertain significance. Last evaluated: 2024-04-06. Review status: criteria provided, single submitter. Criteria: Invitae Variant Classification Sherloc (09022015). Collection method: clinical testing. Allele origin: germline.
Comment: This sequence change replaces lysine, which is basic and polar, with arginine, which is basic and polar, at codon 321 of the ZNF408 protein (p.Lys321Arg). This variant is not present in population databases (gnomAD no frequency). This variant has not been reported in the literature in individuals affected with ZNF408-related conditions. An algorithm developed to predict the effect of missense changes on protein structure and function (PolyPhen-2) suggests that this variant is likely to be tolerated. In summary, the available evidence is currently insufficient to determine the role of this variant in disease. Therefore, it has been classified as a Variant of Uncertain Significance.

NM_024741.3(ZNF408):c.962A>G (p.Lys321Arg)

Gene: ZNF408 (zinc finger protein 408; plus strand). Cytogenetic location: 11p11.2.
Variant type: single nucleotide variant.
Coding change: c.962A>G on transcript NM_024741.3 (MANE Select); coding-DNA position 962, A replaced by G.
Protein change: p.Lys321Arg; replaces lysine 321 with arginine.
Molecular consequence: missense variant.
Genome position (GRCh38, 1-based): chr11:46,704,662, A>G. VCF-style: chr11-46704662-A-G. GRCh37 (hg19) VCF-style: chr11-46726212-A-G.
Other names: c.938A>G, p.Lys313Arg (NM_001184751.2); short protein forms K321R, K313R.
Identifiers: ClinVar variation 3649011 (VCV003649011.2).